The following is an entry in ClinVar:

ClinVar aggregate classification (germline): Uncertain significance (1 of 4 stars; one submission).

Conditions:
Epidermodysplasia verruciformis. Identifiers: Orphanet 302, MedGen C0014522, MONDO:0009176.

Allele frequency attached by ClinVar (database versions not stated): TOPMed 0.00001; ExAC 0.00002; ESP Exome Variant Server 0.00008.
gnomAD v4.1: 20 of 1,613,364 alleles (0.0012%); highest among the groups gnomAD compares: South Asian, 0.0088%; no homozygotes.

Submission:

Labcorp Genetics (formerly Invitae), Labcorp
Classification: Uncertain significance for Epidermodysplasia verruciformis. Last evaluated: 2022-04-17. Review status: criteria provided, single submitter. Criteria: Invitae Variant Classification Sherloc (09022015). Collection method: clinical testing. Allele origin: germline.
Comment: This sequence change replaces arginine, which is basic and polar, with tryptophan, which is neutral and slightly polar, at codon 57 of the TMC6 protein (p.Arg57Trp). This variant is present in population databases (rs368037760, gnomAD 0.01%). This variant has not been reported in the literature in individuals affected with TMC6-related conditions. Algorithms developed to predict the effect of missense changes on protein structure and function are either unavailable or do not agree on the potential impact of this missense change (SIFT: "Not Available"; PolyPhen-2: "Benign"; Align-GVGD: "Not Available"). In summary, the available evidence is currently insufficient to determine the role of this variant in disease. Therefore, it has been classified as a Variant of Uncertain Significance.

NM_001127198.5(TMC6):c.169C>T (p.Arg57Trp)

Gene: TMC6 (transmembrane channel like 6; minus strand). Cytogenetic location: 17q25.3.
Variant type: single nucleotide variant.
Coding change: c.169C>T on transcript NM_001127198.5 (MANE Select); coding-DNA position 169, C replaced by T.
Protein change: p.Arg57Trp; replaces arginine 57 with tryptophan.
Molecular consequence: missense variant. On other transcripts: non-coding transcript variant (4).
Genome position (GRCh38, 1-based): chr17:78,126,536, G>A on the plus strand (C>T on the coding strand, the complement: TMC6 is on the minus strand). VCF-style: chr17-78126536-G-A. GRCh37 (hg19) VCF-style: chr17-76122617-G-A.
Other names: c.169C>T, p.Arg57Trp (NM_001321185.1, NM_001374593.1, NM_001374594.1 and 4 more transcripts); short protein forms R57W.
Identifiers: ClinVar variation 2179065 (VCV002179065.1), dbSNP rs368037760, ClinGen allele CA8796242.